The following is an entry in ClinVar:

NM_003482.4(KMT2D):c.12793G>A (p.Gly4265Ser)

Gene: KMT2D (lysine methyltransferase 2D; minus strand). Cytogenetic location: 12q13.12.
Variant type: single nucleotide variant.
Coding change: c.12793G>A on transcript NM_003482.4 (MANE Select); coding-DNA position 12793, G replaced by A.
Protein change: p.Gly4265Ser; replaces glycine 4265 with serine.
Molecular consequence: missense variant.
Genome position (GRCh38, 1-based): chr12:49,031,912, C>T on the plus strand (G>A on the coding strand, the complement: KMT2D is on the minus strand). VCF-style: chr12-49031912-C-T. GRCh37 (hg19) VCF-style: chr12-49425695-C-T.
Other names: short protein forms G4265S.
Identifiers: ClinVar variation 1985796 (VCV001985796.8), dbSNP rs761270194, ClinGen allele CA384709235.
Genomic context (GRCh38, chr12:49,031,912, plus strand): 5'-CCTGAGGTCGAGGCCCTGCCCCTAGCTCCTGGAGGGGGCCTGTCTGTGGTCCAGGGAAGC[C>T]CCCAAGTTGAGGTTGGCAGCCCAGGAGGCCCTGGAGGGGAGAGGTCTGGGTCCCAGGCTC-3'
Protein context (NP_003473.3, residues 4255-4275): GLLGCQPQLG[Gly4265Ser]FPGPQTGPLQ

ClinVar aggregate classification (germline): Conflicting classifications of pathogenicity. Review status: criteria provided, conflicting classifications (1 of 4 stars). 3 submissions from 3 submitters: Uncertain significance (2); Benign (1). Last evaluated 2024-11-04.

Conditions:
Inborn genetic diseases. Identifiers: MedGen C0950123, MeSH D030342.
Kabuki syndrome. Also called: NIIKAWA-KUROKI SYNDROME; Kabuki make-up syndrome. Identifiers: Orphanet 2322, MedGen C0796004, MONDO:0016512.
Kabuki syndrome 1 (KABUK1). Also called: KMT2D-Related Kabuki Syndrome. Identifiers: Orphanet 2322, MedGen CN030661, MONDO:0007843, OMIM 147920.

gnomAD v4.1: 4 of 1,535,524 alleles (0.00026%); highest among the groups gnomAD compares: East Asian, 0.0023%; no homozygotes.

Submissions (3):

Labcorp Genetics (formerly Invitae), Labcorp
Classification: Benign for Kabuki syndrome. Last evaluated: 2024-11-04. Review status: criteria provided, single submitter. Criteria: Invitae Variant Classification Sherloc (09022015). Collection method: clinical testing. Allele origin: germline.

ARUP Laboratories, Molecular Genetics and Genomics, ARUP Laboratories
Classification: Uncertain significance for Kabuki syndrome 1. Last evaluated: 2022-09-20. Review status: criteria provided, single submitter. Criteria: ARUP Molecular Germline Variant Investigation Process 2021. Collection method: clinical testing. Allele origin: germline.
Comment: The KMT2D c.12793G>A; p.Gly4265Ser variant (rs761270194), to our knowledge, is not reported in the medical literature or gene specific databases. This variant is only observed on one allele in the Genome Aggregation Database, indicating it is not a common polymorphism. The glycine at codon 4265 is weakly conserved, and computational analyses are uncertain whether this variant is neutral or deleterious (REVEL: 0.363). Due to limited information, the clinical significance of the p.Gly4265Ser variant is uncertain at this time.

Ambry Genetics
Classification: Uncertain significance for Inborn genetic diseases. Last evaluated: 2022-08-26. Review status: criteria provided, single submitter. Criteria: Ambry Variant Classification Scheme 2023. Collection method: clinical testing. Allele origin: germline.